The following is an entry in ClinVar:

ClinVar aggregate classification (germline): Likely pathogenic (1 of 4 stars; one submission).

Submission:

GeneDx
Classification: Likely pathogenic. Last evaluated: 2025-02-26. Review status: criteria provided, single submitter. Criteria: GeneDx Variant Classification Process June 2021. Collection method: clinical testing. Allele origin: germline. Affected: yes.
Comment: Not observed at significant frequency in large population cohorts (gnomAD); This substitution is predicted to be within the cytoplasmic loop between the second and third homologous domains; In silico analysis supports that this missense variant has a deleterious effect on protein structure/function; This variant is associated with the following publications: (PMID: 32090326, 35074891, 21248271)

NM_001165963.4(SCN1A):c.2979C>G (p.Ser993Arg)

Gene: SCN1A (sodium voltage-gated channel alpha subunit 1; minus strand). Cytogenetic location: 2q24.3.
Variant type: single nucleotide variant.
Coding change: c.2979C>G on transcript NM_001165963.4 (MANE Select); coding-DNA position 2979, C replaced by G.
Protein change: p.Ser993Arg; replaces serine 993 with arginine.
Molecular consequence: missense variant. On other transcripts: non-coding transcript variant (1).
Genome position (GRCh38, 1-based): chr2:166,036,498, G>C on the plus strand (C>G on the coding strand, the complement: SCN1A is on the minus strand). VCF-style: chr2-166036498-G-C. GRCh37 (hg19) VCF-style: chr2-166893008-G-C.
Other names: c.2895C>G, p.Ser965Arg (NM_001165964.3, NM_001353957.2, NM_001353958.2); c.2979C>G, p.Ser993Arg (NM_001202435.3, NM_001353948.2); c.2946C>G, p.Ser982Arg (NM_001353949.2, NM_001353950.2, NM_001353951.2 and 2 more transcripts); c.2943C>G, p.Ser981Arg (NM_001353954.2, NM_001353955.2); c.2892C>G, p.Ser964Arg (NM_001353960.2); c.537C>G, p.Ser179Arg (NM_001353961.2); short protein forms S179R, S964R, S965R, S981R, S982R, S993R.
Identifiers: ClinVar variation 4077373 (VCV004077373.1).